The following is an entry in ClinVar:

NM_003865.3(HESX1):c.305_306del (p.Glu102fs)

Gene: HESX1 (HESX homeobox 1; minus strand). Cytogenetic location: 3p14.3.
Variant type: Microsatellite.
Coding change: c.305_306del on transcript NM_003865.3 (MANE Select); coding-DNA positions 305 to 306, 2 bases deleted (AG; older notation c.305_306delAG).
Protein change: p.Glu102fs; shifts the reading frame from glutamic acid 102.
Molecular consequence: frameshift variant.
Genome position (GRCh38, 1-based): chr3:57,198,804-57,198,805, CT deleted on the plus strand (AG on the coding strand, the reverse complement: HESX1 is on the minus strand); deleting any 2 consecutive bases within chr3:57,198,804-57,198,809 gives the same sequence; the c. name uses the placement nearest the transcript's 3' end. VCF-style (leftmost placement, unchanged base first): chr3-57198803-ACT-A. GRCh37 (hg19) VCF-style: chr3-57232831-ACT-A.
Other names: c.305_306del, p.Glu102fs (NM_001376058.1, NM_001376059.1, NM_001376060.1 and 1 more transcripts); short protein forms E102fs.
Identifiers: ClinVar variation 2163319 (VCV002163319.6), dbSNP rs748460226, ClinGen allele CA2463288.
Genomic context (GRCh38, chr3:57,198,803, plus strand): 5'-AACTTCCCACCTGGTTTTGAGTAAAAGCAGTTCTTGGTCTTCGGCCTCTATACCAACTCA[ACT>A]CTCTTTTCAAAGACAGTCTTTCTGAGGCTGAAAAGTAATTTTCATATTTCGAAGCTCTTT-3'

ClinVar aggregate classification (germline): Pathogenic/Likely pathogenic. Review status: criteria provided, multiple submitters, no conflicts (2 of 4 stars). 3 submissions from 3 submitters: Pathogenic (1); Likely pathogenic (2). Last evaluated 2024-09-24.

Conditions:
HESX1-Related Disorders.
Septo-optic dysplasia sequence (SOD). Also called: Septo-optic dysplasia; DE MORSIER SYNDROME. Identifiers: Orphanet 3157, MedGen C0338503, MONDO:0008428, OMIM 182230, HP:0100842.
GROWTH HORMONE DEFICIENCY WITH PITUITARY ANOMALIES. Identifiers: MedGen C2750027, OMIM 182230.

Submissions (3):

Dasa
Classification: Likely pathogenic. Last evaluated: 2024-09-24. Review status: criteria provided, single submitter. Criteria: DASA Assertion Criteria. Collection method: clinical testing. Allele origin: germline.
Comment: NM_003865.3(HESX1):c.305_306del (p.Glu102Valfs*5) introduces a premature termination codon predicted to result in loss of normal protein function. Loss-of-function is an established mechanism of disease for this gene. The variant is present at low frequency in population datasets. Based on the available data, this variant is classified as likely pathogenic.

Blueprint Genetics
Classification: Likely pathogenic for HESX1-related disorders. Last evaluated: 2024-03-13. Review status: criteria provided, single submitter. Criteria: ACMG Guidelines, 2015. Collection method: clinical testing. Allele origin: germline. Affected: yes. Observed: 3 variant alleles.

Labcorp Genetics (formerly Invitae), Labcorp
Classification: Pathogenic for GROWTH HORMONE DEFICIENCY WITH PITUITARY ANOMALIES; Septo-optic dysplasia sequence. Last evaluated: 2022-03-10. Review status: criteria provided, single submitter. Criteria: Invitae Variant Classification Sherloc (09022015). Collection method: clinical testing. Allele origin: germline.
Comment: For these reasons, this variant has been classified as Pathogenic. This variant has not been reported in the literature in individuals affected with HESX1-related conditions. This variant is present in population databases (rs748460226, gnomAD 0.002%). This sequence change creates a premature translational stop signal (p.Glu102Valfs*5) in the HESX1 gene. It is expected to result in an absent or disrupted protein product. Loss-of-function variants in HESX1 are known to be pathogenic (PMID: 9620767, 16940453, 21270112).

Literature cited by the submitters: PubMed 9620767 (cited by Labcorp Genetics (formerly Invitae), Labcorp); PubMed 16940453 (cited by Labcorp Genetics (formerly Invitae), Labcorp); PubMed 21270112 (cited by Labcorp Genetics (formerly Invitae), Labcorp).